The following is an entry in ClinVar:

NM_020975.6(RET):c.1110G>A (p.Met370Ile)

Gene: RET (ret proto-oncogene; plus strand). Cytogenetic location: 10q11.21.
Variant type: single nucleotide variant.
Coding change: c.1110G>A on transcript NM_020975.6 (MANE Select); coding-DNA position 1110, G replaced by A.
Protein change: p.Met370Ile; replaces methionine 370 with isoleucine.
Molecular consequence: missense variant. On other transcripts: intron variant (18).
Genome position (GRCh38, 1-based): chr10:43,109,077, G>A. VCF-style: chr10-43109077-G-A. GRCh37 (hg19) VCF-style: chr10-43604525-G-A.
Other names: c.348G>A, p.Met116Ile (NM_001355216.2); c.1110G>A, p.Met370Ile (NM_001406743.1, NM_001406744.1, NM_001406759.1 and 4 more transcripts); c.981G>A, p.Met327Ile (NM_001406761.1, NM_001406762.1, NM_001406764.1 and 1 more transcripts); c.822G>A, p.Met274Ile (NM_001406766.1, NM_001406767.1, NM_001406770.1); c.672G>A, p.Met224Ile (NM_001406771.1, NM_001406773.1); c.384G>A, p.Met128Ile (NM_001406775.1, NM_001406776.1, NM_001406777.1 and 1 more transcripts); c.120G>A, p.Met40Ile (NM_001406784.1); c.868-2130G>A (NM_001406772.1, NM_001406769.1); and 5 more; short protein forms M40I, M224I, M116I, M128I, M274I, M327I, M370I.
Identifiers: ClinVar variation 4545439 (VCV004545439.1).

ClinVar aggregate classification (germline): Uncertain significance (1 of 4 stars; one submission).

Conditions:
Hereditary cancer-predisposing syndrome. Also called: Tumor predisposition; Hereditary Cancer Syndrome; Hereditary neoplastic syndrome; Neoplastic Syndromes, Hereditary. Identifiers: Orphanet 140162, MedGen C0027672, MeSH D009386, MONDO:0015356.

gnomAD v4.1: 1 of 1,613,806 alleles (0.000062%); highest among the groups gnomAD compares: South Asian, 0.0011%; no homozygotes.

Submission:

Ambry Genetics
Classification: Uncertain significance for Hereditary cancer-predisposing syndrome. Last evaluated: 2025-10-01. Review status: criteria provided, single submitter. Criteria: Ambry Variant Classification Scheme 2023. Collection method: clinical testing. Allele origin: germline.
Comment: The p.M370I variant (also known as c.1110G>A), located in coding exon 6 of the RET gene, results from a G to A substitution at nucleotide position 1110. The methionine at codon 370 is replaced by isoleucine, an amino acid with highly similar properties. This amino acid position is conserved. In addition, this alteration is predicted to be tolerated by in silico analysis. Based on the available evidence, the clinical significance of this variant remains unclear.